The following is an entry in ClinVar:

NM_002880.4(RAF1):c.988A>G (p.Ile330Val)

Gene: RAF1 (Raf-1 proto-oncogene, serine/threonine kinase; minus strand). Cytogenetic location: 3p25.2.
Variant type: single nucleotide variant.
Coding change: c.988A>G on transcript NM_002880.4 (MANE Select); coding-DNA position 988, A replaced by G.
Protein change: p.Ile330Val; replaces isoleucine 330 with valine.
Molecular consequence: missense variant. On other transcripts: non-coding transcript variant (3).
Genome position (GRCh38, 1-based): chr3:12,600,154, T>C on the plus strand (A>G on the coding strand, the complement: RAF1 is on the minus strand). VCF-style: chr3-12600154-T-C. GRCh37 (hg19) VCF-style: chr3-12641653-T-C.
Other names: c.1048A>G, p.Ile350Val (NM_001354689.3); c.988A>G, p.Ile330Val (NM_001354690.3); c.745A>G, p.Ile249Val (NM_001354691.3, NM_001354692.3); c.889A>G, p.Ile297Val (NM_001354693.3); c.805A>G, p.Ile269Val (NM_001354694.3); c.646A>G, p.Ile216Val (NM_001354695.3); short protein forms I330V, I216V, I350V, I249V, I269V, I297V.
Identifiers: ClinVar variation 1768494 (VCV001768494.6), dbSNP rs756942422, ClinGen allele CA2259619.

ClinVar aggregate classification (germline): Uncertain significance. Review status: criteria provided, multiple submitters, no conflicts (2 of 4 stars). 2 submissions from 2 submitters: Uncertain significance (2). Last evaluated 2025-03-31.

Conditions:
RASopathy. Also called: rasopathies; Noonan spectrum disorder. Identifiers: Orphanet 536391, MedGen C5555857, MONDO:0021060.
Cardiovascular phenotype. Identifiers: MedGen CN230736.

Allele frequency attached by ClinVar (database versions not stated): gnomAD exomes below 0.00001; ExAC 0.00002.
gnomAD v4.1: 6 of 1,614,150 alleles (0.00037%); highest among the groups gnomAD compares: Admixed American, 0.0033%; no homozygotes.

Submissions (2):

Ambry Genetics
Classification: Uncertain significance for Cardiovascular phenotype. Last evaluated: 2025-03-31. Review status: criteria provided, single submitter. Criteria: Ambry Variant Classification Scheme 2023. Collection method: clinical testing. Allele origin: germline.
Comment: The p.I330V variant (also known as c.988A>G), located in coding exon 8 of the RAF1 gene, results from an A to G substitution at nucleotide position 988. The isoleucine at codon 330 is replaced by valine, an amino acid with highly similar properties. This amino acid position is conserved. In addition, the in silico prediction for this alteration is inconclusive. Since supporting evidence is limited at this time, the clinical significance of this alteration remains unclear.

Labcorp Genetics (formerly Invitae), Labcorp
Classification: Uncertain significance for RASopathy. Last evaluated: 2024-08-13. Review status: criteria provided, single submitter. Criteria: Invitae Variant Classification Sherloc (09022015). Collection method: clinical testing. Allele origin: germline.
Comment: This sequence change replaces isoleucine, which is neutral and non-polar, with valine, which is neutral and non-polar, at codon 330 of the RAF1 protein (p.Ile330Val). This variant is present in population databases (rs756942422, gnomAD 0.006%). This variant has not been reported in the literature in individuals affected with RAF1-related conditions. ClinVar contains an entry for this variant (Variation ID: 1768494). An algorithm developed to predict the effect of missense changes on protein structure and function (PolyPhen-2) suggests that this variant is likely to be tolerated. In summary, the available evidence is currently insufficient to determine the role of this variant in disease. Therefore, it has been classified as a Variant of Uncertain Significance.